The following is an entry in ClinVar:

ClinVar aggregate classification (germline): Uncertain significance. Review status: criteria provided, multiple submitters, no conflicts (2 of 4 stars). 3 submissions from 3 submitters: Uncertain significance (3). Last evaluated 2025-04-17.

Conditions:
Cardiovascular phenotype. Identifiers: MedGen CN230736.
Cardiomyopathy (CMYO). Also called: Cardiomyopathies. Identifiers: Orphanet 167848, MedGen C0878544, MONDO:0004994, HP:0001638. Inheritance: Various modes of inheritance.

Submissions (3):

GeneDx
Classification: Uncertain significance. Last evaluated: 2025-04-17. Review status: criteria provided, single submitter. Criteria: GeneDx Variant Classification Process June 2021. Collection method: clinical testing. Allele origin: germline. Affected: yes.
Comment: Not observed at significant frequency in large population cohorts (gnomAD); In silico analysis supports that this missense variant has a deleterious effect on protein structure/function; Has not been previously published as pathogenic or benign to our knowledge; Not located in one of the three hot-spot regions of the RYR2 gene, where the majority of pathogenic missense variants occur (PMID: 19926015); This variant is associated with the following publications: (PMID: 19926015)

Color Diagnostics, LLC DBA Color Health
Classification: Uncertain significance for Cardiomyopathy. Last evaluated: 2023-01-23. Review status: criteria provided, single submitter. Criteria: ACMG Guidelines, 2015. Collection method: clinical testing. Allele origin: germline.
Comment: This missense variant replaces valine with alanine at codon 1166 of the RYR2 protein. Computational prediction suggests that this variant may not impact protein structure and function (internally defined REVEL score threshold <= 0.5, PMID: 27666373). To our knowledge, functional studies have not been reported for this variant. This variant has not been reported in individuals affected with RYR2-related disorders in the literature. This variant has not been identified in the general population by the Genome Aggregation Database (gnomAD). The available evidence is insufficient to determine the role of this variant in disease conclusively. Therefore, this variant is classified as a Variant of Uncertain Significance.

Ambry Genetics
Classification: Uncertain significance for Cardiovascular phenotype. Last evaluated: 2020-10-13. Review status: criteria provided, single submitter. Criteria: Ambry Variant Classification Scheme 2023. Collection method: clinical testing. Allele origin: germline.
Comment: The p.V1166A variant (also known as c.3497T>C), located in coding exon 29 of the RYR2 gene, results from a T to C substitution at nucleotide position 3497. The valine at codon 1166 is replaced by alanine, an amino acid with similar properties. This amino acid position is well conserved in available vertebrate species; however, alanine is the reference amino acid in other vertebrate species. In addition, this alteration is predicted to be tolerated by in silico analysis. Since supporting evidence is limited at this time, the clinical significance of this alteration remains unclear.

NM_001035.3(RYR2):c.3497T>C (p.Val1166Ala)

Gene: RYR2 (ryanodine receptor 2; plus strand). Cytogenetic location: 1q43.
Variant type: single nucleotide variant.
Coding change: c.3497T>C on transcript NM_001035.3 (MANE Select); coding-DNA position 3497, T replaced by C.
Protein change: p.Val1166Ala; replaces valine 1166 with alanine.
Molecular consequence: missense variant.
Genome position (GRCh38, 1-based): chr1:237,569,218, T>C. VCF-style: chr1-237569218-T-C. GRCh37 (hg19) VCF-style: chr1-237732518-T-C.
Other names: short protein forms V1166A.
Identifiers: ClinVar variation 1731996 (VCV001731996.5), dbSNP rs1672405981, ClinGen allele CA345390250.